The following is an entry in ClinVar:

NM_024876.4(COQ8B):c.1339dup (p.Glu447fs)

Gene: COQ8B (coenzyme Q8B; minus strand). Cytogenetic location: 19q13.2.
Variant type: Duplication.
Coding change: c.1339dup on transcript NM_024876.4 (MANE Select); coding-DNA position 1339, one base duplicated (G; older notation c.1339dupG).
Protein change: p.Glu447fs; shifts the reading frame from glutamic acid 447.
Molecular consequence: frameshift variant.
Genome position (GRCh38, 1-based): chr19:40,692,331, C duplicated on the plus strand (G on the coding strand, the reverse complement: COQ8B is on the minus strand); the first of 5 consecutive C bases (chr19:40,692,331-40,692,335); duplicating any one gives the same sequence. VCF-style (leftmost placement, unchanged base first): chr19-40692330-T-TC. GRCh37 (hg19) VCF-style: chr19-41198235-T-TC.
Other names: c.1216dup, p.Glu406fs (NM_001142555.3); short protein forms E406fs, E447fs.
Identifiers: ClinVar variation 1708373 (VCV001708373.28), dbSNP rs759968901, ClinGen allele CA9450032.

ClinVar aggregate classification (germline): Pathogenic/Likely pathogenic. Review status: criteria provided, multiple submitters, no conflicts (2 of 4 stars). 3 submissions from 3 submitters: Pathogenic (2); Likely pathogenic (1). Last evaluated 2024-04-11.

Conditions:
Nephrotic syndrome, type 9 (NPHS9). Identifiers: Orphanet 656, MedGen C3809965, MONDO:0014257, OMIM 615573.

Submissions (3):

Fulgent Genetics
Classification: Pathogenic for Nephrotic syndrome, type 9. Last evaluated: 2024-04-11. Review status: criteria provided, single submitter. Criteria: ACMG Guidelines, 2015. Collection method: clinical testing. Allele origin: germline.

CeGaT Center for Human Genetics Tuebingen
Classification: Pathogenic. Last evaluated: 2023-10-01. Review status: criteria provided, single submitter. Criteria: CeGaT Center For Human Genetics Tuebingen Variant Classification Criteria Version 2. Collection method: clinical testing. Allele origin: germline. Affected: yes. Observed: 1 variant allele.
Comment: COQ8B: PP1:Strong, PVS1:Strong, PM2, PM3

Centre of Medical Genetics, University Hospital Muenster
Classification: Likely pathogenic. Last evaluated: 2021-12-20. Review status: criteria provided, single submitter. Criteria: ACMG Guidelines, 2015. Collection method: clinical testing. Allele origin: unknown. Affected: yes. Observed: 1 variant allele, 1 homozygote.
Comment: ACMG categories: PVS1,PM2